The following is an entry in ClinVar:

ClinVar aggregate classification (germline): Uncertain significance (1 of 4 stars; one submission).

Conditions:
Hereditary cancer-predisposing syndrome. Also called: Hereditary Cancer Syndrome; Hereditary neoplastic syndrome; Neoplastic Syndromes, Hereditary; Tumor predisposition. Identifiers: Orphanet 140162, MedGen C0027672, MeSH D009386, MONDO:0015356.

Allele frequency attached by ClinVar (database versions not stated): gnomAD exomes below 0.00001.
gnomAD v4.1: 1 of 1,614,130 alleles (0.000062%); highest among the groups gnomAD compares: South Asian, 0.0011%; no homozygotes.

Submission:

Ambry Genetics
Classification: Uncertain significance for Hereditary cancer-predisposing syndrome. Last evaluated: 2022-09-08. Review status: criteria provided, single submitter. Criteria: Ambry Variant Classification Scheme 2023. Collection method: clinical testing. Allele origin: germline.
Comment: The p.V487G variant (also known as c.1460T>G), located in coding exon 4 of the PALB2 gene, results from a T to G substitution at nucleotide position 1460. The valine at codon 487 is replaced by glycine, an amino acid with dissimilar properties. This amino acid position is conserved. In addition, this alteration is predicted to be tolerated by in silico analysis. Since supporting evidence is limited at this time, the clinical significance of this alteration remains unclear.

NM_024675.4(PALB2):c.1460T>G (p.Val487Gly)

Gene: PALB2 (partner and localizer of BRCA2; minus strand). Cytogenetic location: 16p12.2.
Variant type: single nucleotide variant.
Coding change: c.1460T>G on transcript NM_024675.4 (MANE Select); coding-DNA position 1460, T replaced by G.
Protein change: p.Val487Gly; replaces valine 487 with glycine.
Molecular consequence: missense variant.
Genome position (GRCh38, 1-based): chr16:23,635,086, A>C on the plus strand (T>G on the coding strand, the complement: PALB2 is on the minus strand). VCF-style: chr16-23635086-A-C. GRCh37 (hg19) VCF-style: chr16-23646407-A-C.
Other names: c.1400T>G, p.Val467Gly (NM_001407296.1); c.1460T>G, p.Val487Gly (NM_001407297.1, NM_001407298.1, NM_001407299.1 and 3 more transcripts); c.575T>G, p.Val192Gly (NM_001407304.1, NM_001407305.1, NM_001407306.1 and 5 more transcripts); short protein forms V467G, V192G, V487G.
Identifiers: ClinVar variation 1773154 (VCV001773154.2), dbSNP rs2142415304, ClinGen allele CA395131192.
Genomic context (GRCh38, chr16:23,635,086, plus strand): 5'-GCTTGGGCAACTGCCTTCCTAGACAAGTCATTATCTTCAGTGGGCCCAGCGGGAGAGCTG[A>C]CTTTAGTTAATGAGAGAAGTTTCTGAGAGGTTCTTGAACTTGGTTGTCCTGTGCATGTGC-3'
Protein context (NP_078951.2, residues 477-497): TSQKLLSLTK[Val487Gly]SSPAGPTEDN